The following is an entry in ClinVar:

ClinVar aggregate classification (germline): Uncertain significance (1 of 4 stars; one submission).

Conditions:
Mowat-Wilson syndrome (MOWS). Also called: Classic Mowat-Wilson Syndrome. Identifiers: Orphanet 2152, MedGen C1856113, MONDO:0009341, OMIM 235730.

gnomAD v4.1: 1 of 1,614,062 alleles (0.000062%); highest among the groups gnomAD compares: Non-Finnish European, 0.000085%; no homozygotes.

Submission:

Labcorp Genetics (formerly Invitae), Labcorp
Classification: Uncertain significance for Mowat-Wilson syndrome. Last evaluated: 2024-03-13. Review status: criteria provided, single submitter. Criteria: Invitae Variant Classification Sherloc (09022015). Collection method: clinical testing. Allele origin: germline.
Comment: This sequence change replaces glutamine, which is neutral and polar, with lysine, which is basic and polar, at codon 209 of the ZEB2 protein (p.Gln209Lys). This variant is present in population databases (rs527679524, gnomAD 0.0009%). This variant has not been reported in the literature in individuals affected with ZEB2-related conditions. Advanced modeling of protein sequence and biophysical properties (such as structural, functional, and spatial information, amino acid conservation, physicochemical variation, residue mobility, and thermodynamic stability) performed at Invitae indicates that this missense variant is expected to disrupt ZEB2 protein function with a positive predictive value of 80%. In summary, the available evidence is currently insufficient to determine the role of this variant in disease. Therefore, it has been classified as a Variant of Uncertain Significance.

NM_014795.4(ZEB2):c.625C>A (p.Gln209Lys)

Gene: ZEB2 (zinc finger E-box binding homeobox 2; minus strand). Cytogenetic location: 2q22.3.
Variant type: single nucleotide variant.
Coding change: c.625C>A on transcript NM_014795.4 (MANE Select); coding-DNA position 625, C replaced by A.
Protein change: p.Gln209Lys; replaces glutamine 209 with lysine.
Molecular consequence: missense variant.
Genome position (GRCh38, 1-based): chr2:144,404,098, G>T on the plus strand (C>A on the coding strand, the complement: ZEB2 is on the minus strand). VCF-style: chr2-144404098-G-T. GRCh37 (hg19) VCF-style: chr2-145161665-G-T.
Other names: c.553C>A, p.Gln185Lys (NM_001171653.2); short protein forms Q185K, Q209K.
Identifiers: ClinVar variation 3645756 (VCV003645756.2).